The following is an entry in ClinVar:

ClinVar aggregate classification (germline): Uncertain significance (1 of 4 stars; one submission).

Conditions:
Jeune thoracic dystrophy. Also called: Jeune syndrome; Infantile thoracic dystrophy; Thoracic pelvic phalangeal dystrophy; Jeune's syndrome; Chondroectodermal dysplasia-like syndrome; Short-rib thoracic dysplasia. Identifiers: Orphanet 474, MedGen C0265275, MONDO:0018770.

Allele frequency attached by ClinVar (database versions not stated): gnomAD exomes below 0.00001; ESP Exome Variant Server 0.00008.

Submission:

Labcorp Genetics (formerly Invitae), Labcorp
Classification: Uncertain significance for Jeune thoracic dystrophy. Last evaluated: 2022-06-22. Review status: criteria provided, single submitter. Criteria: Invitae Variant Classification Sherloc (09022015). Collection method: clinical testing. Allele origin: germline.
Comment: This sequence change replaces histidine, which is basic and polar, with leucine, which is neutral and non-polar, at codon 250 of the IFT80 protein (p.His250Leu). This variant is present in population databases (rs373778836, gnomAD 0.0009%). This variant has not been reported in the literature in individuals affected with IFT80-related conditions. Algorithms developed to predict the effect of missense changes on protein structure and function are either unavailable or do not agree on the potential impact of this missense change (SIFT: "Deleterious"; PolyPhen-2: "Benign"; Align-GVGD: "Class C15"). In summary, the available evidence is currently insufficient to determine the role of this variant in disease. Therefore, it has been classified as a Variant of Uncertain Significance.

NM_020800.3(IFT80):c.749A>T (p.His250Leu)

Genes: IFT80 (intraflagellar transport 80; minus strand), TRIM59-IFT80 (TRIM59-IFT80 readthrough (NMD candidate); minus strand). Cytogenetic location: 3q25.33.
Variant type: single nucleotide variant.
Coding change: c.749A>T on transcript NM_020800.3 (MANE Select); coding-DNA position 749, A replaced by T.
Protein change: p.His250Leu; replaces histidine 250 with leucine.
Molecular consequence: missense variant. On other transcripts: non-coding transcript variant (3).
Genome position (GRCh38, 1-based): chr3:160,356,041, T>A on the plus strand (A>T on the coding strand, the complement: IFT80 is on the minus strand). VCF-style: chr3-160356041-T-A. GRCh37 (hg19) VCF-style: chr3-160073829-T-A.
Other names: c.338A>T, p.His113Leu (NM_001190241.2, NM_001190242.2); short protein forms H250L, H113L.
Identifiers: ClinVar variation 2053693 (VCV002053693.1), dbSNP rs373778836, ClinGen allele CA86564756.